The following is an entry in ClinVar:

ClinVar aggregate classification (germline): Uncertain significance. Review status: criteria provided, multiple submitters, no conflicts (2 of 4 stars). 2 submissions from 2 submitters: Uncertain significance (2). Last evaluated 2026-09-23.

Conditions:
EP300-related disorder. Also called: EP300-related disorders; EP300-related condition.
Rubinstein-Taybi syndrome due to EP300 haploinsufficiency. Also called: EP300-Related Rubinstein-Taybi Syndrome; RUBINSTEIN-TAYBI SYNDROME 2. Identifiers: Orphanet 353284, Orphanet 783, MedGen C3150941, MONDO:0013364, OMIM 613684.

gnomAD v4.1: 29 of 1,613,988 alleles (0.0018%); highest among the groups gnomAD compares: Non-Finnish European, 0.0023%; no homozygotes.

Submissions (2):

PreventionGenetics, part of Exact Sciences
Classification: Uncertain significance for EP300-related condition. Last evaluated: 2026-09-23. Review status: criteria provided, single submitter. Criteria: ACMG Guidelines, 2015. Collection method: clinical testing. Allele origin: germline.
Comment: The EP300 c.3375C>G variant is predicted to result in the amino acid substitution p.Phe1125Leu. To our knowledge, this variant has not been reported in the literature. This variant is reported in 0.0054% of alleles in individuals of European (Non-Finnish) descent in gnomAD. Although we suspect that this variant may be benign, at this time, the clinical significance of this variant is uncertain due to the absence of conclusive functional and genetic evidence.

Labcorp Genetics (formerly Invitae), Labcorp
Classification: Uncertain significance for Rubinstein-Taybi syndrome due to EP300 haploinsufficiency. Last evaluated: 2024-10-29. Review status: criteria provided, single submitter. Criteria: Invitae Variant Classification Sherloc (09022015). Collection method: clinical testing. Allele origin: germline.
Comment: This sequence change replaces phenylalanine, which is neutral and non-polar, with leucine, which is neutral and non-polar, at codon 1125 of the EP300 protein (p.Phe1125Leu). This variant is present in population databases (rs149806482, gnomAD 0.006%). This variant has not been reported in the literature in individuals affected with EP300-related conditions. Invitae Evidence Modeling of protein sequence and biophysical properties (such as structural, functional, and spatial information, amino acid conservation, physicochemical variation, residue mobility, and thermodynamic stability) indicates that this missense variant is not expected to disrupt EP300 protein function with a negative predictive value of 80%. In summary, the available evidence is currently insufficient to determine the role of this variant in disease. Therefore, it has been classified as a Variant of Uncertain Significance.

NM_001429.4(EP300):c.3375C>G (p.Phe1125Leu)

Gene: EP300 (EP300 lysine acetyltransferase; plus strand). Cytogenetic location: 22q13.2.
Variant type: single nucleotide variant.
Coding change: c.3375C>G on transcript NM_001429.4 (MANE Select); coding-DNA position 3375, C replaced by G.
Protein change: p.Phe1125Leu; replaces phenylalanine 1125 with leucine.
Molecular consequence: missense variant.
Genome position (GRCh38, 1-based): chr22:41,157,282, C>G. VCF-style: chr22-41157282-C-G. GRCh37 (hg19) VCF-style: chr22-41553286-C-G.
Other names: c.3297C>G, p.Phe1099Leu (NM_001362843.2); c.3375C>G (NM_001429.3); short protein forms F1125L, F1099L.
Identifiers: ClinVar variation 3665256 (VCV003665256.2).